The following is an entry in ClinVar:

NM_194302.4(CFAP65):c.1228C>T (p.Pro410Ser)

Gene: CFAP65 (cilia and flagella associated protein 65; minus strand). Cytogenetic location: 2q35.
Variant type: single nucleotide variant.
Coding change: c.1228C>T on transcript NM_194302.4 (MANE Select); coding-DNA position 1228, C replaced by T.
Protein change: p.Pro410Ser; replaces proline 410 with serine.
Molecular consequence: missense variant.
Genome position (GRCh38, 1-based): chr2:219,030,142, G>A on the plus strand (C>T on the coding strand, the complement: CFAP65 is on the minus strand). VCF-style: chr2-219030142-G-A. GRCh37 (hg19) VCF-style: chr2-219894864-G-A.
Other names: c.1195C>T, p.Pro399Ser (NM_001278295.1); c.1033C>T, p.Pro345Ser (NM_001278296.2); short protein forms P345S, P399S, P410S.
Identifiers: ClinVar variation 2497789 (VCV002497789.1), dbSNP rs544739894, ClinGen allele CA2116033.

ClinVar aggregate classification (germline): Uncertain significance (1 of 4 stars; one submission).

gnomAD v4.1: 42 of 1,614,016 alleles (0.0026%); highest among the groups gnomAD compares: African/African-American, 0.008%; no homozygotes.

Submission:

GeneDx
Classification: Uncertain significance. Last evaluated: 2022-10-04. Review status: criteria provided, single submitter. Criteria: GeneDx Variant Classification Process June 2021. Collection method: clinical testing. Allele origin: germline. Affected: yes.
Comment: In silico analysis supports that this missense variant does not alter protein structure/function; Has not been previously published as pathogenic or benign to our knowledge